The following is an entry in ClinVar:

ClinVar aggregate classification (germline): Uncertain significance (1 of 4 stars; one submission).

Conditions:
Developmental and epileptic encephalopathy, 11 (DEE11). Also called: Early infantile epileptic encephalopathy 11. Identifiers: Orphanet 1934, MedGen C3150987, MONDO:0013388, OMIM 613721.

Submission:

MGZ Medical Genetics Center
Classification: Uncertain significance for Developmental and epileptic encephalopathy, 11. Last evaluated: 2021-08-16. Review status: criteria provided, single submitter. Criteria: ACMG Guidelines, 2015. Collection method: clinical testing. Allele origin: germline. Affected: yes. Observed: 1 variant allele.
Comment: ACMG criteria applied: PM2_SUP, PP3

NM_001040142.2(SCN2A):c.16C>A (p.Leu6Met)

Gene: SCN2A (sodium voltage-gated channel alpha subunit 2; plus strand). Cytogenetic location: 2q24.3.
Variant type: single nucleotide variant.
Coding change: c.16C>A on transcript NM_001040142.2 (MANE Select); coding-DNA position 16, C replaced by A.
Protein change: p.Leu6Met; replaces leucine 6 with methionine.
Molecular consequence: missense variant.
Genome position (GRCh38, 1-based): chr2:165,295,839, C>A. VCF-style: chr2-165295839-C-A. GRCh37 (hg19) VCF-style: chr2-166152349-C-A.
Other names: c.16C>A, p.Leu6Met (NM_001040143.2, NM_001371246.1, NM_001371247.1 and 1 more transcripts); short protein forms L6M.
Identifiers: ClinVar variation 1709970 (VCV001709970.2), dbSNP rs2467837709, ClinGen allele CA349009662.